The following is an entry in ClinVar:

NM_001267550.2(TTN):c.38792-2A>T

Gene: TTN (titin; minus strand). Cytogenetic location: 2q31.2.
Variant type: single nucleotide variant.
Coding change: c.38792-2A>T on transcript NM_001267550.2 (MANE Select); the canonical splice acceptor site of the intron before coding-DNA position 38792, A replaced by T.
Molecular consequence: splice acceptor variant. On other transcripts: intron variant (5).
Genome position (GRCh38, 1-based): chr2:178,653,126, T>A on the plus strand (A>T on the coding strand, the complement: TTN is on the minus strand). VCF-style: chr2-178653126-T-A. GRCh37 (hg19) VCF-style: chr2-179517853-T-A.
Other names: c.13283-10809A>T (NM_003319.4); c.13859-10809A>T (NM_133437.4); c.13658-10809A>T (NM_133432.3); c.31742-585A>T (NM_133378.4); c.34523-585A>T (NM_001256850.1).
Identifiers: ClinVar variation 1468300 (VCV001468300.8), dbSNP rs1185808525, ClinGen allele CA349466815.

ClinVar aggregate classification (germline): Uncertain significance (1 of 4 stars; one submission).

Conditions:
Dilated cardiomyopathy 1G (CMD1G). Identifiers: Orphanet 154, MedGen C1858763, MONDO:0011400, OMIM 604145.
Autosomal recessive limb-girdle muscular dystrophy type 2J (LGMDR10). Also called: Limb-girdle muscular dystrophy, type 2J; MUSCULAR DYSTROPHY, LIMB-GIRDLE, AUTOSOMAL RECESSIVE 10. Identifiers: Orphanet 140922, MedGen C1837342, MONDO:0012127, OMIM 608807.

Allele frequency attached by ClinVar (database versions not stated): TOPMed below 0.00001; gnomAD 0.00001.
gnomAD v4.1: 1 of 1,612,468 alleles (0.000062%); highest among the groups gnomAD compares: Non-Finnish European, 0.000085%; no homozygotes.

Submission:

Labcorp Genetics (formerly Invitae), Labcorp
Classification: Uncertain significance for Dilated cardiomyopathy 1G; Autosomal recessive limb-girdle muscular dystrophy type 2J. Last evaluated: 2021-05-06. Review status: criteria provided, single submitter. Criteria: Invitae Variant Classification Sherloc (09022015). Collection method: clinical testing. Allele origin: germline.
Comment: This sequence change affects an acceptor splice site in intron 198 of the TTN gene. It is expected to disrupt RNA splicing and likely results in a truncated or disrupted TTN protein. This variant is not present in population databases (ExAC no frequency). This variant has not been reported in the literature in individuals with TTN-related conditions. This variant is located in the I band of TTN (PMID: 25589632). Truncating variants in this region have been shown to be highly prevalent in the general population and unaffected individuals (PMID: 26701604, 22335739). However, truncating variants in this region have also been reported in individuals affected with autosomal recessive centronuclear myopathy (PMID: 23975875). Algorithms developed to predict the effect of sequence changes on RNA splicing suggest that this variant may disrupt the consensus splice site, but this prediction has not been confirmed by published transcriptional studies. In summary, the available evidence is currently insufficient to determine the role of this variant in disease. Therefore, it has been classified as a Variant of Uncertain Significance.

Literature cited by the submitters: PubMed 25589632; PubMed 26701604; PubMed 22335739; PubMed 23975875.